The following is an entry in ClinVar:

ClinVar aggregate classification (germline): Uncertain significance (1 of 4 stars; one submission).

Conditions:
Carney complex, type 1 (CNC1). Also called: CARNEY COMPLEX, TYPE I; CARNEY MYXOMA-ENDOCRINE COMPLEX. Identifiers: Orphanet 1359, MedGen C2607929, MONDO:0008057, OMIM 160980.

Submission:

Labcorp Genetics (formerly Invitae), Labcorp
Classification: Uncertain significance for Carney complex, type 1. Last evaluated: 2020-11-14. Review status: criteria provided, single submitter. Criteria: Invitae Variant Classification Sherloc (09022015). Collection method: clinical testing. Allele origin: germline.
Comment: This sequence change replaces leucine with valine at codon 303 of the PRKAR1A protein (p.Leu303Val). The leucine residue is highly conserved and there is a small physicochemical difference between leucine and valine. This variant is not present in population databases (ExAC no frequency). This variant has not been reported in the literature in individuals with PRKAR1A-related conditions. Algorithms developed to predict the effect of missense changes on protein structure and function (SIFT, PolyPhen-2, Align-GVGD) all suggest that this variant is likely to be tolerated, but these predictions have not been confirmed by published functional studies and their clinical significance is uncertain. In summary, the available evidence is currently insufficient to determine the role of this variant in disease. Therefore, it has been classified as a Variant of Uncertain Significance.

NM_002734.5(PRKAR1A):c.907C>G (p.Leu303Val)

Gene: PRKAR1A (protein kinase cAMP-dependent type I regulatory subunit alpha; plus strand). Cytogenetic location: 17q24.2.
Variant type: single nucleotide variant.
Coding change: c.907C>G on transcript NM_002734.5 (MANE Select); coding-DNA position 907, C replaced by G.
Protein change: p.Leu303Val; replaces leucine 303 with valine.
Molecular consequence: missense variant.
Genome position (GRCh38, 1-based): chr17:68,529,935, C>G. VCF-style: chr17-68529935-C-G. GRCh37 (hg19) VCF-style: chr17-66526076-C-G.
Other names: c.907C>G, p.Leu303Val (NM_001276289.2, NM_001276290.1, NM_001278433.2 and 4 more transcripts); short protein forms L303V.
Identifiers: ClinVar variation 1347467 (VCV001347467.8), dbSNP rs2143382987, ClinGen allele CA400754104.